The following is an entry in ClinVar:

ClinVar aggregate classification (germline): Uncertain significance (1 of 4 stars; one submission).

Submission:

Dasa
Classification: Uncertain significance. Last evaluated: 2025-08-07. Review status: criteria provided, single submitter. Criteria: DASA Assertion Criteria. Collection method: clinical testing. Allele origin: germline.
Comment: NM_021956.5(GRIK2):c.2563-9C>A is a splice-region variant. This variant is rare in population databases. Computational prediction algorithms are consistent with a benign effect. The currently available literature and clinical evidence are not sufficient to establish a definitive association between this variant and the reported condition. Therefore, this variant is classified as a variant of uncertain significance.

NM_021956.5(GRIK2):c.2563-9C>A

Gene: GRIK2 (glutamate ionotropic receptor kainate type subunit 2; plus strand). Cytogenetic location: 6q16.3.
Variant type: single nucleotide variant.
Coding change: c.2563-9C>A on transcript NM_021956.5 (MANE Select); 9 bases into the intron before coding-DNA position 2563, C replaced by A.
Molecular consequence: intron variant.
Genome position (GRCh38, 1-based): chr6:102,068,338, C>A. VCF-style: chr6-102068338-C-A. GRCh37 (hg19) VCF-style: chr6-102516213-C-A.
Other names: c.*40-9C>A (NM_175768.3); c.*16-9C>A (NM_001166247.1).
Identifiers: ClinVar variation 4884978 (VCV004884978.2).